The following is an entry in ClinVar:

NM_002742.3(PRKD1):c.2619A>G (p.Ala873=)

Gene: PRKD1 (protein kinase D1; minus strand). Cytogenetic location: 14q12.
Variant type: single nucleotide variant.
Coding change: c.2619A>G on transcript NM_002742.3 (MANE Select); coding-DNA position 2619, A replaced by G.
Protein change: p.Ala873=; no amino-acid change (alanine 873 retained).
Molecular consequence: synonymous variant.
Genome position (GRCh38, 1-based): chr14:29,577,358, T>C on the plus strand (A>G on the coding strand, the complement: PRKD1 is on the minus strand). VCF-style: chr14-29577358-T-C. GRCh37 (hg19) VCF-style: chr14-30046564-T-C.
Other names: c.2643A>G, p.Ala881= (NM_001330069.2); c.2355A>G, p.Ala785= (NM_001348390.1).
Identifiers: ClinVar variation 3040503 (VCV003040503.2), dbSNP rs150018148, ClinGen allele CA7140840.

ClinVar aggregate classification (germline): Likely benign (0 of 4 stars; one submission).

Conditions:
PRKD1-related disorder. Also called: PRKD1-related condition.

Allele frequency attached by ClinVar (database versions not stated): ESP Exome Variant Server 0.00008; gnomAD 0.00009; gnomAD exomes 0.00010; TOPMed 0.00011; ExAC 0.00017.
gnomAD v4.1: 156 of 1,613,714 alleles (0.0097%); highest among the groups gnomAD compares: Middle Eastern, 0.066%; no homozygotes.

Submission:

PreventionGenetics, part of Exact Sciences
Classification: Likely benign for PRKD1-related condition. Last evaluated: 2019-09-09. Review status: no assertion criteria provided. Collection method: clinical testing. Allele origin: germline.
Comment: This variant is classified as likely benign based on ACMG/AMP sequence variant interpretation guidelines (Richards et al. 2015 PMID: 25741868, with internal and published modifications).